The following is an entry in ClinVar:

ClinVar aggregate classification (germline): Uncertain significance. Review status: criteria provided, single submitter (1 of 4 stars). 2 submissions from 2 submitters: Uncertain significance (1). 1 of the submissions does not count toward it. Last evaluated 2024-03-28.

Conditions:
Hereditary breast ovarian cancer syndrome. Also called: Hereditary breast and ovarian cancer; Hereditary breast and ovarian cancer syndrome (HBOC); Hereditary breast and ovarian cancer syndrome; BRCA1- and BRCA2-Associated Hereditary Breast and Ovarian Cancer; Breast and ovarian cancer; Hereditary breast and/or ovarian cancer syndrome. Identifiers: Orphanet 145, MedGen C0677776, MeSH D061325, MONDO:0003582. Disease mechanism: loss of function.
Breast-ovarian cancer, familial, susceptibility to, 2 (BROVCA2). Also called: BRCA2 Hereditary Breast and Ovarian Cancer. Identifiers: Orphanet 145, MedGen C2675520, MONDO:0012933, OMIM 612555. Disease mechanism: loss of function.

Submissions (2):

Labcorp Genetics (formerly Invitae), Labcorp
Classification: Uncertain significance for Hereditary breast ovarian cancer syndrome. Last evaluated: 2024-03-28. Review status: criteria provided, single submitter. Criteria: Invitae Variant Classification Sherloc (09022015). Collection method: clinical testing. Allele origin: germline.
Comment: This sequence change replaces tyrosine, which is neutral and polar, with asparagine, which is neutral and polar, at codon 2977 of the BRCA2 protein (p.Tyr2977Asn). This variant is not present in population databases (gnomAD no frequency). This variant has not been reported in the literature in individuals affected with BRCA2-related conditions. ClinVar contains an entry for this variant (Variation ID: 156177). Advanced modeling of protein sequence and biophysical properties (such as structural, functional, and spatial information, amino acid conservation, physicochemical variation, residue mobility, and thermodynamic stability) performed at Invitae indicates that this missense variant is not expected to disrupt BRCA2 protein function with a negative predictive value of 95%. In summary, the available evidence is currently insufficient to determine the role of this variant in disease. Therefore, it has been classified as a Variant of Uncertain Significance.

Sharing Clinical Reports Project (SCRP)
Classification: Uncertain significance for Breast-ovarian cancer, familial 2. Last evaluated: 2011-08-18. Review status: no assertion criteria provided. Collection method: clinical testing. Allele origin: germline. Not counted in ClinVar's aggregate classification.

NC_000013.11:g.32379491T>A

Gene: BRCA2 (BRCA2 DNA repair associated; plus strand). Cytogenetic location: 13q13.1.
Variant type: single nucleotide variant.
Genome position: GRCh38 VCF-style: chr13-32379491-T-A. GRCh37 (hg19) VCF-style: chr13-32953628-T-A.
Other names: Y2977N; 9157T>A; c.8929T>A, p.Tyr2977Asn (LRG_293t1).
Identifiers: ClinVar variation 156177 (VCV000156177.4), dbSNP rs587776473, ClinGen allele CA025876.